The following is an entry in ClinVar:

ClinVar aggregate classification (germline): Conflicting classifications of pathogenicity. Review status: criteria provided, conflicting classifications (1 of 4 stars). 6 submissions from 6 submitters: Uncertain significance (4); Likely benign (1). 1 of the submissions does not count toward it. Last evaluated 2025-11-25.

Conditions:
Autosomal recessive limb-girdle muscular dystrophy type 2B (LGMDR2). Also called: Limb-girdle muscular dystrophy, type 2B; MUSCULAR DYSTROPHY, LIMB-GIRDLE, AUTOSOMAL RECESSIVE 2; MUSCULAR DYSTROPHY, LIMB-GIRDLE, TYPE 3; Limb-Girdle Muscular Dystrophy Type 2B (LGMD2B). Identifiers: Orphanet 268, MedGen C1850889, MONDO:0009676, OMIM 253601.
Neuromuscular disease caused by qualitative or quantitative defects of dysferlin. Also called: Dysferlinopathy; Qualitative or quantitative defects of dysferlin. Identifiers: Orphanet 207073, MedGen C2931687, MONDO:0016145.
Inborn genetic diseases. Identifiers: MedGen C0950123, MeSH D030342.

Allele frequency attached by ClinVar (database versions not stated): gnomAD exomes 0.00003 and 0.00004; TOPMed 0.00004; ExAC 0.00005; gnomAD 0.00005 and 0.00006; ESP Exome Variant Server 0.00009.
gnomAD v4.1: 60 of 1,551,496 alleles (0.0039%); highest among the groups gnomAD compares: South Asian, 0.0083%; no homozygotes.

Submissions (6):

Labcorp Genetics (formerly Invitae), Labcorp
Classification: Likely benign for Neuromuscular disease caused by qualitative or quantitative defects of dysferlin. Last evaluated: 2025-11-25. Review status: criteria provided, single submitter. Criteria: Invitae Variant Classification Sherloc (09022015). Collection method: clinical testing. Allele origin: germline.

Blueprint Genetics
Classification: Uncertain significance. Last evaluated: 2023-10-11. Review status: criteria provided, single submitter. Criteria: ACMG Guidelines, 2015. Collection method: clinical testing. Allele origin: germline.

Ambry Genetics
Classification: Uncertain significance for Inborn genetic diseases. Last evaluated: 2022-04-25. Review status: criteria provided, single submitter. Criteria: Ambry Variant Classification Scheme 2023. Collection method: clinical testing. Allele origin: germline.

Revvity Omics, Revvity
Classification: Uncertain significance. Last evaluated: 2021-07-14. Review status: criteria provided, single submitter. Criteria: ACMG Guidelines, 2015. Collection method: clinical testing. Allele origin: germline.

GeneDx
Classification: Uncertain significance. Last evaluated: 2019-05-21. Review status: criteria provided, single submitter. Criteria: GeneDx Variant Classification Process June 2021. Collection method: clinical testing. Allele origin: germline. Affected: yes.
Comment: Not observed at a significant frequency in large population cohorts (Lek et al., 2016); In silico analysis, which includes protein predictors and evolutionary conservation, supports a deleterious effect; Has not been previously published as pathogenic or benign to our knowledge

Natera, Inc.
Classification: Uncertain significance for Limb-girdle muscular dystrophy type 2B. Last evaluated: 2019-12-27. Review status: no assertion criteria provided. Collection method: clinical testing. Allele origin: germline. Not counted in ClinVar's aggregate classification.

NM_001130987.2(DYSF):c.377C>T (p.Pro126Leu)

Gene: DYSF (dysferlin; plus strand). Cytogenetic location: 2p13.2.
Variant type: single nucleotide variant.
Coding change: c.377C>T on transcript NM_001130987.2 (MANE Select); coding-DNA position 377, C replaced by T.
Protein change: p.Pro126Leu; replaces proline 126 with leucine.
Molecular consequence: missense variant.
Genome position (GRCh38, 1-based): chr2:71,511,838, C>T. VCF-style: chr2-71511838-C-T. GRCh37 (hg19) VCF-style: chr2-71738968-C-T.
Other names: c.377C>T, p.Pro126Leu (NM_001130455.2, NM_001130982.2, NM_001130983.2 and 3 more transcripts); c.374C>T, p.Pro125Leu (NM_001130976.2, NM_001130977.2, NM_001130978.2 and 4 more transcripts); short protein forms P125L, P126L.
Identifiers: ClinVar variation 1201598 (VCV001201598.14), dbSNP rs372573603, ClinGen allele CA1705340.
Genomic context (GRCh38, chr2:71,511,838, plus strand): 5'-ACCTGTCCCCCACGTCTCATCTCTTCCAGGCCTCGCTGGTCCTGCAGGTGTCCTACACAC[C>T]GCTGCCTGGAGCTGTGCCCCTGTTCCCGCCCCCTACTCCTCTGGAGCCCTCCCCGACTCT-3'
Protein context (NP_001124459.1, residues 116-136): ASLVLQVSYT[Pro126Leu]LPGAVPLFPP